The following is an entry in ClinVar:

ClinVar aggregate classification (germline): Uncertain significance (1 of 4 stars; one submission).

Submission:

Labcorp Genetics (formerly Invitae), Labcorp
Classification: Uncertain significance. Last evaluated: 2022-10-24. Review status: criteria provided, single submitter. Criteria: Invitae Variant Classification Sherloc (09022015). Collection method: clinical testing. Allele origin: germline.
Comment: This variant has not been reported in the literature in individuals affected with EXOC8-related conditions. In summary, the available evidence is currently insufficient to determine the role of this variant in disease. Therefore, it has been classified as a Variant of Uncertain Significance. Algorithms developed to predict the effect of missense changes on protein structure and function (SIFT, PolyPhen-2, Align-GVGD) all suggest that this variant is likely to be tolerated. This variant is not present in population databases (gnomAD no frequency). This sequence change replaces alanine, which is neutral and non-polar, with valine, which is neutral and non-polar, at codon 545 of the EXOC8 protein (p.Ala545Val).

NM_175876.5(EXOC8):c.1634C>T (p.Ala545Val)

Gene: EXOC8 (exocyst complex component 8; minus strand). Cytogenetic location: 1q42.2.
Variant type: single nucleotide variant.
Coding change: c.1634C>T on transcript NM_175876.5 (MANE Select); coding-DNA position 1634, C replaced by T.
Protein change: p.Ala545Val; replaces alanine 545 with valine.
Molecular consequence: missense variant.
Genome position (GRCh38, 1-based): chr1:231,336,112, G>A on the plus strand (C>T on the coding strand, the complement: EXOC8 is on the minus strand). VCF-style: chr1-231336112-G-A. GRCh37 (hg19) VCF-style: chr1-231471858-G-A.
Other names: short protein forms A545V.
Identifiers: ClinVar variation 2029098 (VCV002029098.4), dbSNP rs1317473294, ClinGen allele CA345242207.